The following is an entry in ClinVar:

ClinVar aggregate classification (germline): Uncertain significance (1 of 4 stars; one submission).

Conditions:
DNA ligase IV deficiency. Identifiers: Orphanet 99812, MedGen C1847827, MONDO:0011686, OMIM 606593.

Submission:

Labcorp Genetics (formerly Invitae), Labcorp
Classification: Uncertain significance for DNA ligase IV deficiency. Last evaluated: 2022-01-15. Review status: criteria provided, single submitter. Criteria: Invitae Variant Classification Sherloc (09022015). Collection method: clinical testing. Allele origin: germline.
Comment: In summary, the available evidence is currently insufficient to determine the role of this variant in disease. Therefore, it has been classified as a Variant of Uncertain Significance. Algorithms developed to predict the effect of missense changes on protein structure and function (SIFT, PolyPhen-2, Align-GVGD) all suggest that this variant is likely to be tolerated. This variant has not been reported in the literature in individuals affected with LIG4-related conditions. This variant is not present in population databases (gnomAD no frequency). This sequence change replaces alanine, which is neutral and non-polar, with serine, which is neutral and polar, at codon 631 of the LIG4 protein (p.Ala631Ser).

NM_206937.2(LIG4):c.1891G>T (p.Ala631Ser)

Gene: LIG4 (DNA ligase 4; minus strand). Cytogenetic location: 13q33.3.
Variant type: single nucleotide variant.
Coding change: c.1891G>T on transcript NM_206937.2 (MANE Select); coding-DNA position 1891, G replaced by T.
Protein change: p.Ala631Ser; replaces alanine 631 with serine.
Molecular consequence: missense variant.
Genome position (GRCh38, 1-based): chr13:108,209,378, C>A on the plus strand (G>T on the coding strand, the complement: LIG4 is on the minus strand). VCF-style: chr13-108209378-C-A. GRCh37 (hg19) VCF-style: chr13-108861726-C-A.
Other names: c.1891G>T, p.Ala631Ser (NM_001352599.2, NM_001352600.2, NM_001352601.2 and 6 more transcripts); c.1927G>T, p.Ala643Ser (NM_001352604.2); c.1690G>T, p.Ala564Ser (NM_001330595.2); short protein forms A631S, A643S, A564S.
Identifiers: ClinVar variation 2084019 (VCV002084019.4), dbSNP rs200385778, ClinGen allele CA388615526.